The following is an entry in ClinVar:

NM_033163.5(FGF8):c.533G>A (p.Trp178Ter)

Gene: FGF8 (fibroblast growth factor 8; minus strand). Cytogenetic location: 10q24.32.
Variant type: single nucleotide variant.
Coding change: c.533G>A on transcript NM_033163.5 (MANE Select); coding-DNA position 533, G replaced by A.
Protein change: p.Trp178Ter; replaces tryptophan 178 with a stop codon.
Molecular consequence: nonsense.
Genome position (GRCh38, 1-based): chr10:101,770,531, C>T on the plus strand (G>A on the coding strand, the complement: FGF8 is on the minus strand). VCF-style: chr10-101770531-C-T. GRCh37 (hg19) VCF-style: chr10-103530288-C-T.
Other names: p.Trp178*; c.221G>A, p.Trp74Ter (NM_001206389.2); c.446G>A, p.Trp149Ter (NM_006119.6); c.500G>A, p.Trp167Ter (NM_033164.4); c.413G>A, p.Trp138Ter (NM_033165.5); short protein forms W138*, W149*, W167*, W178*, W74*.
Identifiers: ClinVar variation 4818936 (VCV004818936.1).

ClinVar aggregate classification (germline): Pathogenic (1 of 4 stars; one submission).

Conditions:
Cleft upper lip. Identifiers: Orphanet 199302, MedGen C0008924, MONDO:0016043, HP:0000204.

Submission:

Center for Reproductive Medicine, The First Affiliated Hospital of Zhengzhou University
Classification: Pathogenic for Cleft upper lip. Last evaluated: 2026-03-27. Review status: criteria provided, single submitter. Criteria: ACMG Guidelines, 2015. Collection method: clinical testing. Allele origin: de novo, inherited. Inheritance: Autosomal dominant inheritance. Affected: yes. Observed: 1 variant allele, 1 compound heterozygote.
Comment: The heterozygous nonsense variant NM_033163.3:c.533G>A (p.Trp178*) in the FGF8 gene was identified in a three-generation family with autosomal dominant cleft lip and palate (CLP). This variant creates a premature stop codon, leading to a truncated protein lacking the C-terminal 66 amino acids. Loss of function is a known mechanism of disease for FGF8 (PVS1). Furthermore, this variant is absent from large population databases including 1000 Genomes, ExAC, and gnomAD (PM2). In vitro functional assays in HEK-293T cells and primary mouse embryonic palatal mesenchymal (MEPM) cells demonstrated that the truncated mutant exerts a potent dominant-negative effect. It competitively binds to FGFRs but fails to induce productive receptor activation, thereby severely impairing the RAS-ERK1/2-ETV4 signaling axis and significantly inhibiting cell migration and proliferation (PS3). Based on the ACMG guidelines (PVS1 + PS3 + PM2), this variant is classified as Pathogenic.